The following is an entry in ClinVar:

ClinVar aggregate classification (germline): Uncertain significance. Review status: criteria provided, multiple submitters, no conflicts (2 of 4 stars). 2 submissions from 2 submitters: Uncertain significance (2). Last evaluated 2025-11-03.

Allele frequency attached by ClinVar (database versions not stated): gnomAD exomes 0.00002; ExAC 0.00001; TOPMed 0.00002; gnomAD 0.00001.
gnomAD v4.1: 27 of 1,613,778 alleles (0.0017%); highest among the groups gnomAD compares: Non-Finnish European, 0.0023%; no homozygotes.

Submissions (2):

Ambry Genetics
Classification: Uncertain significance. Last evaluated: 2025-11-03. Review status: criteria provided, single submitter. Criteria: Ambry Variant Classification Scheme 2023. Collection method: clinical testing. Allele origin: germline.

GeneDx
Classification: Uncertain significance. Last evaluated: 2022-11-02. Review status: criteria provided, single submitter. Criteria: GeneDx Variant Classification Process June 2021. Collection method: clinical testing. Allele origin: germline. Affected: yes.
Comment: Not observed at significant frequency in large population cohorts (gnomAD); In silico analysis supports that this missense variant does not alter protein structure/function; Has not been previously published as pathogenic or benign to our knowledge

NM_001761.3(CCNF):c.2156G>T (p.Gly719Val)

Genes: CCNF (cyclin F; plus strand), LOC105371050 (uncharacterized LOC105371050; minus strand). Cytogenetic location: 16p13.3.
Variant type: single nucleotide variant.
Coding change: c.2156G>T on transcript NM_001761.3 (MANE Select); coding-DNA position 2156, G replaced by T.
Protein change: p.Gly719Val; replaces glycine 719 with valine.
Molecular consequence: missense variant.
Genome position (GRCh38, 1-based): chr16:2,456,815, G>T. VCF-style: chr16-2456815-G-T. GRCh37 (hg19) VCF-style: chr16-2506816-G-T.
Other names: c.1232G>T, p.Gly411Val (NM_001323538.2); short protein forms G411V, G719V.
Identifiers: ClinVar variation 2501337 (VCV002501337.2), dbSNP rs768922579, ClinGen allele CA7842839.
Genomic context (GRCh38, chr16:2,456,815, plus strand): 5'-CCTCAGGGTACTCCTCCGTCAGCACCGCAAGTCCCACAAGCTCCGTGGACGGTGGCTTGG[G>T]GGCCCTGCCCCAACCTACCTCAGTGCTGTCCCTGGACAGTGACTCGCACACACAGCCCTG-3'
Protein context (NP_001752.2, residues 709-729): SPTSSVDGGL[Gly719Val]ALPQPTSVLS